The following is an entry in ClinVar:

NM_001127178.3(PIGG):c.1375A>G (p.Arg459Gly)

Gene: PIGG (phosphatidylinositol glycan anchor biosynthesis class G (EMM blood group); plus strand). Cytogenetic location: 4p16.3.
Variant type: single nucleotide variant.
Coding change: c.1375A>G on transcript NM_001127178.3 (MANE Select); coding-DNA position 1375, A replaced by G.
Protein change: p.Arg459Gly; replaces arginine 459 with glycine.
Molecular consequence: missense variant. On other transcripts: synonymous variant (1), 5 prime UTR variant (2), non-coding transcript variant (10).
Genome position (GRCh38, 1-based): chr4:521,702, A>G. VCF-style: chr4-521702-A-G. GRCh37 (hg19) VCF-style: chr4-515491-A-G.
Other names: c.1108A>G, p.Arg370Gly (NM_001289051.2, NM_001289053.2, NM_001345986.2); c.976A>G, p.Arg326Gly (NM_001289052.2); c.963A>G, p.Ala321= (NM_001289055.2); c.890A>G, p.Gln297Arg (NM_001289057.2); c.1084A>G, p.Arg362Gly (NM_001345987.2); c.346A>G, p.Arg116Gly (NM_001345988.2); c.1375A>G, p.Arg459Gly (NM_001345989.2); c.-159A>G (NM_001345990.2, NM_001345991.2); and 2 more; short protein forms R116G, R326G, R370G, R362G, R451G, R93G, Q297R, R459G.
Identifiers: ClinVar variation 2075889 (VCV002075889.3), dbSNP rs1352191995, ClinGen allele CA355904415.

ClinVar aggregate classification (germline): Uncertain significance (1 of 4 stars; one submission).

Conditions:
Intellectual disability, autosomal recessive 53 (NEDHSCA). Also called: NEURODEVELOPMENTAL DISORDER WITH OR WITHOUT HYPOTONIA, SEIZURES, AND CEREBELLAR ATROPHY; GLYCOSYLPHOSPHATIDYLINOSITOL BIOSYNTHESIS DEFECT 13; Mental retardation, autosomal recessive 53. Identifiers: Orphanet 488635, MedGen C4310794, MONDO:0014832, OMIM 616917.

Allele frequency attached by ClinVar (database versions not stated): gnomAD exomes 0.00001.
gnomAD v4.1: 9 of 1,614,206 alleles (0.00056%); highest among the groups gnomAD compares: East Asian, 0.0022%; no homozygotes.

Submission:

Labcorp Genetics (formerly Invitae), Labcorp
Classification: Uncertain significance for Intellectual disability, autosomal recessive 53. Last evaluated: 2022-06-24. Review status: criteria provided, single submitter. Criteria: Invitae Variant Classification Sherloc (09022015). Collection method: clinical testing. Allele origin: germline.
Comment: This variant is present in population databases (no rsID available, gnomAD 0.0009%). This sequence change replaces arginine, which is basic and polar, with glycine, which is neutral and non-polar, at codon 459 of the PIGG protein (p.Arg459Gly). This variant has not been reported in the literature in individuals affected with PIGG-related conditions. Algorithms developed to predict the effect of missense changes on protein structure and function output the following: SIFT: "Tolerated"; PolyPhen-2: "Benign"; Align-GVGD: "Class C0". The glycine amino acid residue is found in multiple mammalian species, which suggests that this missense change does not adversely affect protein function. In summary, the available evidence is currently insufficient to determine the role of this variant in disease. Therefore, it has been classified as a Variant of Uncertain Significance.